The following is an entry in ClinVar:

NM_021020.5(LZTS1):c.1561A>G (p.Met521Val)

Gene: LZTS1 (leucine zipper tumor suppressor 1; minus strand). Cytogenetic location: 8p21.3.
Variant type: single nucleotide variant.
Coding change: c.1561A>G on transcript NM_021020.5 (MANE Select); coding-DNA position 1561, A replaced by G.
Protein change: p.Met521Val; replaces methionine 521 with valine.
Molecular consequence: missense variant.
Genome position (GRCh38, 1-based): chr8:20,249,952, T>C on the plus strand (A>G on the coding strand, the complement: LZTS1 is on the minus strand). VCF-style: chr8-20249952-T-C. GRCh37 (hg19) VCF-style: chr8-20107463-T-C.
Other names: c.1561A>G, p.Met521Val (NM_001362884.2); short protein forms M521V.
Identifiers: ClinVar variation 4766794 (VCV004766794.1).

ClinVar aggregate classification (germline): Uncertain significance (1 of 4 stars; one submission).

gnomAD v4.1: 3 of 1,614,084 alleles (0.00019%); highest among the groups gnomAD compares: Non-Finnish European, 0.00025%; no homozygotes.

Submission:

Labcorp Genetics (formerly Invitae), Labcorp
Classification: Uncertain significance. Last evaluated: 2025-02-26. Review status: criteria provided, single submitter. Criteria: Invitae Variant Classification Sherloc (09022015). Collection method: clinical testing. Allele origin: germline.
Comment: This sequence change replaces methionine, which is neutral and non-polar, with valine, which is neutral and non-polar, at codon 521 of the LZTS1 protein (p.Met521Val). This variant is present in population databases (no rsID available, gnomAD 0.0009%). This variant has not been reported in the literature in individuals affected with LZTS1-related conditions. Invitae Evidence Modeling of protein sequence and biophysical properties (such as structural, functional, and spatial information, amino acid conservation, physicochemical variation, residue mobility, and thermodynamic stability) indicates that this missense variant is not expected to disrupt LZTS1 protein function with a negative predictive value of 80%. In summary, the available evidence is currently insufficient to determine the role of this variant in disease. Therefore, it has been classified as a Variant of Uncertain Significance.